The following is an entry in ClinVar:

NM_004104.5(FASN):c.2453C>G (p.Pro818Arg)

Gene: FASN (fatty acid synthase; minus strand). Cytogenetic location: 17q25.3.
Variant type: single nucleotide variant.
Coding change: c.2453C>G on transcript NM_004104.5 (MANE Select); coding-DNA position 2453, C replaced by G.
Protein change: p.Pro818Arg; replaces proline 818 with arginine.
Molecular consequence: missense variant.
Genome position (GRCh38, 1-based): chr17:82,088,530, G>C on the plus strand (C>G on the coding strand, the complement: FASN is on the minus strand). VCF-style: chr17-82088530-G-C. GRCh37 (hg19) VCF-style: chr17-80046406-G-C.
Other names: short protein forms P818R.
Identifiers: ClinVar variation 462023 (VCV000462023.8), dbSNP rs774528608, ClinGen allele CA8852772.
Genomic context (GRCh38, chr17:82,088,530, plus strand): 5'-TGGTCCCACTTGATGAGTGGGGAGATGAGGGGAGTTCCTCGGGGAGCTGGGAACTCCACA[G>C]GTGGGAACAAGGCATTGGGGTTGGCGTCGATGCTACGGAGAAGGGAGGCATGGGTAGCAC-3'
Protein context (NP_004095.4, residues 808-828): IDANPNALFP[Pro818Arg]VEFPAPRGTP

ClinVar aggregate classification (germline): Uncertain significance (1 of 4 stars; one submission).

Conditions:
Epileptic encephalopathy. Identifiers: MedGen C0543888, HP:0200134.

Allele frequency attached by ClinVar (database versions not stated): ExAC 0.00001.
gnomAD v4.1: 7 of 1,607,842 alleles (0.00044%); highest among the groups gnomAD compares: Middle Eastern, 0.017%; no homozygotes.

Submission:

Labcorp Genetics (formerly Invitae), Labcorp
Classification: Uncertain significance for Epileptic encephalopathy. Last evaluated: 2020-01-27. Review status: criteria provided, single submitter. Criteria: Invitae Variant Classification Sherloc (09022015). Collection method: clinical testing. Allele origin: germline.
Comment: In summary, this variant is a rare missense change with uncertain impact on protein function. There is no indication that it causes disease, but the available evidence is currently insufficient to prove that conclusively. Therefore, it has been classified as a Variant of Uncertain Significance. Algorithms developed to predict the effect of sequence changes on RNA splicing suggest that this variant may alter RNA splicing, but this prediction has not been confirmed by published transcriptional studies. Algorithms developed to predict the effect of missense changes on protein structure and function (SIFT, PolyPhen-2, Align-GVGD) all suggest that this variant is likely to be tolerated, but these predictions have not been confirmed by published functional studies. This variant is not present in population databases (ExAC no frequency) and has not been reported in the literature in individuals with a FASN-related disease. This sequence change replaces proline with arginine at codon 818 of the FASN protein (p.Pro818Arg). The proline residue is moderately conserved and there is a moderate physicochemical difference between proline and arginine.